The following is an entry in ClinVar:

ClinVar aggregate classification (germline): Uncertain significance. Review status: criteria provided, multiple submitters, no conflicts (2 of 4 stars). 2 submissions from 2 submitters: Uncertain significance (2). Last evaluated 2022-03-29.

Conditions:
Charcot-Marie-Tooth disease recessive intermediate C. Also called: CHARCOT-MARIE-TOOTH NEUROPATHY, RECESSIVE INTERMEDIATE C. Identifiers: Orphanet 369867, MedGen C3809309, MONDO:0014154, OMIM 615376.
Neuronopathy, distal hereditary motor, autosomal recessive 4. Also called: Autosomal recessive lower motor neuron disease with childhood onset; NEUROPATHY, DISTAL HEREDITARY MOTOR, AUTOSOMAL RECESSIVE 4. Identifiers: Orphanet 206580, MedGen C1970211, MONDO:0012608, OMIM 611067.

Allele frequency attached by ClinVar (database versions not stated): gnomAD exomes 0.00001 and 0.00004; TOPMed 0.00001.
gnomAD v4.1: 57 of 1,582,404 alleles (0.0036%); highest among the groups gnomAD compares: Non-Finnish European, 0.0045%; no homozygotes.

Submissions (2):

Labcorp Genetics (formerly Invitae), Labcorp
Classification: Uncertain significance for Neuronopathy, distal hereditary motor, autosomal recessive 4; Charcot-Marie-Tooth disease recessive intermediate C. Last evaluated: 2022-03-29. Review status: criteria provided, single submitter. Criteria: Invitae Variant Classification Sherloc (09022015). Collection method: clinical testing. Allele origin: germline.
Comment: This sequence change replaces proline, which is neutral and non-polar, with leucine, which is neutral and non-polar, at codon 920 of the PLEKHG5 protein (p.Pro920Leu). The frequency data for this variant in the population databases is considered unreliable, as metrics indicate poor data quality at this position in the gnomAD database. This variant has not been reported in the literature in individuals affected with PLEKHG5-related conditions. ClinVar contains an entry for this variant (Variation ID: 948599). Algorithms developed to predict the effect of missense changes on protein structure and function output the following: SIFT: "Tolerated"; PolyPhen-2: "Benign"; Align-GVGD: "Class C0". The leucine amino acid residue is found in multiple mammalian species, which suggests that this missense change does not adversely affect protein function. In summary, the available evidence is currently insufficient to determine the role of this variant in disease. Therefore, it has been classified as a Variant of Uncertain Significance.

Department of Pathology and Laboratory Medicine, Sinai Health System
Classification: Uncertain significance for Neuronopathy, distal hereditary motor, autosomal recessive 4; Charcot-Marie-Tooth disease recessive intermediate C. Last evaluated: 2021-09-27. Review status: criteria provided, single submitter. Criteria: ACMG Guidelines, 2015. Collection method: research. Allele origin: germline.

NM_020631.6(PLEKHG5):c.2759C>T (p.Pro920Leu)

Gene: PLEKHG5 (pleckstrin homology and RhoGEF domain containing G5; minus strand). Cytogenetic location: 1p36.31.
Variant type: single nucleotide variant.
Coding change: c.2759C>T on transcript NM_020631.6 (MANE Select); coding-DNA position 2759, C replaced by T.
Protein change: p.Pro920Leu; replaces proline 920 with leucine.
Molecular consequence: missense variant. On other transcripts: intron variant (1).
Genome position (GRCh38, 1-based): chr1:6,468,077, G>A on the plus strand (C>T on the coding strand, the complement: PLEKHG5 is on the minus strand). VCF-style: chr1-6468077-G-A. GRCh37 (hg19) VCF-style: chr1-6528137-G-A.
Other names: c.2870C>T, p.Pro957Leu (NM_001042663.3, NM_001265592.2); c.2759C>T, p.Pro920Leu (NM_001042664.2, NM_001042665.2, NM_198681.4); c.2966C>T, p.Pro989Leu (NM_001265593.2); c.2737+22C>T (NM_001265594.3); short protein forms P957L, P920L, P989L.
Identifiers: ClinVar variation 948599 (VCV000948599.8), dbSNP rs1436307319, ClinGen allele CA338114980.